The following is an entry in ClinVar:

NM_000512.5(GALNS):c.998G>A (p.Gly333Asp)

Gene: GALNS (galactosamine (N-acetyl)-6-sulfatase; minus strand). Cytogenetic location: 16q24.3.
Variant type: single nucleotide variant.
Coding change: c.998G>A on transcript NM_000512.5 (MANE Select); coding-DNA position 998, G replaced by A.
Protein change: p.Gly333Asp; replaces glycine 333 with aspartic acid.
Molecular consequence: missense variant.
Genome position (GRCh38, 1-based): chr16:88,832,002, C>T on the plus strand (G>A on the coding strand, the complement: GALNS is on the minus strand). VCF-style: chr16-88832002-C-T. GRCh37 (hg19) VCF-style: chr16-88898410-C-T.
Other names: c.443G>A, p.Gly148Asp (NM_001323543.2); c.1016G>A, p.Gly339Asp (NM_001323544.2); short protein forms G148D, G333D, G339D.
Identifiers: ClinVar variation 3252076 (VCV003252076.2), dbSNP rs1911555382.
Genomic context (GRCh38, chr16:88,832,002, plus strand): 5'-TGGGATGGCTGCAGGCCTGGACCTGCTGCCCGGCAGACCGGTGGACGCTGACTCACCTGG[C>T]CTGCAGTGACGTGCCCTGGCCACCATGCGAGGGCAGGCTCCCTCATCCCTCCTTCAAACG-3'
Protein context (NP_000503.1, residues 323-343): LAWWPGHVTA[Gly333Asp]QVSHQLGSIM

ClinVar aggregate classification (germline): Likely pathogenic (1 of 4 stars; one submission).

Conditions:
Mucopolysaccharidosis, MPS-IV-A (MPS4A). Also called: Morquio syndrome A, mild; MORQUIO SYNDROME A; GALACTOSAMINE-6-SULFATASE DEFICIENCY; GALNS DEFICIENCY; MORQUIO A DISEASE; Mucopolysaccharidosis type IV A. Identifiers: Orphanet 309297, Orphanet 582, MedGen C0086651, MONDO:0009659, OMIM 253000.

Allele frequency attached by ClinVar (database versions not stated): TOPMed below 0.00001.

Submission:

Laboratorio De Medicina Genomica, Universidad Icesi
Classification: Likely pathogenic for Mucopolysaccharidosis, MPS-IV-A. Last evaluated: 2024-07-08. Review status: criteria provided, single submitter. Criteria: ACMG Guidelines, 2015. Collection method: clinical testing. Allele origin: germline. Inheritance: Autosomal recessive inheritance. Affected: yes. Observed: 2 variant alleles, 2 compound heterozygotes. Clinical features observed: Short neck (HP:0000470), Coarse facial features (HP:0000280), Short stature (HP:0004322).
Comment: The Gly333Asp variant in GALNS has been reported in two Colombian brothers with clinical characteristics of severe Morquio syndrome (MPS IVA).